The following is an entry in ClinVar:

ClinVar aggregate classification (germline): Pathogenic (1 of 4 stars; one submission).

Conditions:
SLC35A2-congenital disorder of glycosylation. Also called: EPILEPTIC ENCEPHALOPATHY, EARLY INFANTILE, 22; DEVELOPMENTAL AND EPILEPTIC ENCEPHALOPATHY 22; SLC35A2-CDG; CONGENITAL DISORDER OF GLYCOSYLATION, TYPE IIm; CDG IIm; CONGENITAL DISORDER OF GLYCOSYLATION, TYPE IIm, SOMATIC MOSAIC. Identifiers: Orphanet 356961, MedGen C3806688, MONDO:0010478, OMIM 300896.

Submission:

Labcorp Genetics (formerly Invitae), Labcorp
Classification: Pathogenic for SLC35A2-congenital disorder of glycosylation. Last evaluated: 2023-11-11. Review status: criteria provided, single submitter. Criteria: Invitae Variant Classification Sherloc (09022015). Collection method: clinical testing. Allele origin: germline.
Comment: This sequence change creates a premature translational stop signal (p.Leu23Phefs*71) in the SLC35A2 gene. It is expected to result in an absent or disrupted protein product. Loss-of-function variants in SLC35A2 are known to be pathogenic (PMID: 23561849, 24115232, 25262651). This variant is not present in population databases (gnomAD no frequency). This variant has not been reported in the literature in individuals affected with SLC35A2-related conditions. For these reasons, this variant has been classified as Pathogenic.

Literature cited by the submitters: PubMed 23561849; PubMed 24115232; PubMed 25262651.

NM_005660.3(SLC35A2):c.68dup (p.Leu23fs)

Gene: SLC35A2 (solute carrier family 35 member A2; minus strand). Cytogenetic location: Xp11.23.
Variant type: Duplication.
Coding change: c.68dup on transcript NM_005660.3 (MANE Select); coding-DNA position 68, one base duplicated (T; older notation c.68dupT).
Protein change: p.Leu23fs; shifts the reading frame from leucine 23.
Molecular consequence: frameshift variant. On other transcripts: intron variant (1).
Genome position (GRCh38, 1-based): chrX:48,911,569, A duplicated on the plus strand (T on the coding strand, the reverse complement: SLC35A2 is on the minus strand); the first of 2 consecutive A bases (chrX:48,911,569-48,911,570); duplicating either gives the same sequence. VCF-style (leftmost placement, unchanged base first): chrX-48911568-C-CA. GRCh37 (hg19) VCF-style: chrX-48768845-C-CA.
Other names: c.68dup, p.Leu23fs (NM_001032289.3, NM_001042498.3, NM_001282647.2 and 3 more transcripts); c.19+290dup (NM_001282648.2); short protein forms L23fs.
Identifiers: ClinVar variation 2772188 (VCV002772188.3), dbSNP rs2519667319, ClinGen allele CA2697553096.